The following is an entry in ClinVar:

NM_000533.5(PLP1):c.4+5G>A

Genes: PLP1 (proteolipid protein 1; plus strand), RAB9B (RAB9B, member RAS oncogene family; minus strand). Cytogenetic location: Xq22.2.
Variant type: single nucleotide variant.
Coding change: c.4+5G>A on transcript NM_000533.5 (MANE Select); 5 bases into the intron after coding-DNA position 4, G replaced by A.
Molecular consequence: intron variant.
Genome position (GRCh38, 1-based): chrX:103,777,004, G>A. VCF-style: chrX-103777004-G-A. GRCh37 (hg19) VCF-style: chrX-103031932-G-A.
Other names: c.4+5G>A (NM_001128834.3, NM_199478.3, NM_001305004.1).
Identifiers: ClinVar variation 2431616 (VCV002431616.1), dbSNP rs2522269056, ClinGen allele CA2580100116.
Genomic context (GRCh38, chrX:103,777,004, plus strand): 5'-CCACAAAGCAGACTAGCCAGCCGGCTACAATTGGAGTCAGAGTCCCAAAGACATGGGTAA[G>A]TTTCAAAAACTTTAGCATTGAAGATTCAAGAGGACACAGGAATTCACAAGAGAATTTCCA-3'

ClinVar aggregate classification (germline): Uncertain significance (1 of 4 stars; one submission).

Conditions:
Pelizaeus-Merzbacher disease. Also called: LEUKODYSTROPHY, HYPOMYELINATING, 1; Sudanophilic leukodystrophy; Pelizaeus-Merzbacher spectrum disorder; Pelizaeus-Merzbacher Disease (PMD); Pelizeaus-Merzbacher spectrum disorder. Identifiers: Orphanet 702, MedGen C0205711, MONDO:0010714, OMIM 312080, HP:0003269.

Submission:

Laboratorio de Genetica e Diagnostico Molecular, Hospital Israelita Albert Einstein
Classification: Uncertain significance for Pelizaeus-Merzbacher disease. Last evaluated: 2022-09-09. Review status: criteria provided, single submitter. Criteria: ACMG Guidelines, 2015. Collection method: clinical testing. Allele origin: germline. Affected: yes. Observed: 1 variant allele.
Comment: ACMG classification criteria: PM2 moderated, PP3 supporting